The following is an entry in ClinVar:

ClinVar aggregate classification (germline): Uncertain significance. Review status: criteria provided, multiple submitters, no conflicts (2 of 4 stars). 2 submissions from 2 submitters: Uncertain significance (2). Last evaluated 2024-06-16.

Conditions:
Inborn genetic diseases. Identifiers: MedGen C0950123, MeSH D030342.

Allele frequency attached by ClinVar (database versions not stated): gnomAD 0.00017 and 0.00018; TOPMed 0.00023; ESP Exome Variant Server 0.00024; gnomAD exomes 0.00031 and 0.00035; ExAC 0.00050.
gnomAD v4.1: 471 of 1,612,864 alleles (0.029%); highest among the groups gnomAD compares: Non-Finnish European, 0.036%; no homozygotes.

Submissions (2):

Ambry Genetics
Classification: Uncertain significance for Inborn genetic diseases. Last evaluated: 2024-06-16. Review status: criteria provided, single submitter. Criteria: Ambry Variant Classification Scheme 2023. Collection method: clinical testing. Allele origin: germline.

Labcorp Genetics (formerly Invitae), Labcorp
Classification: Uncertain significance. Last evaluated: 2022-09-01. Review status: criteria provided, single submitter. Criteria: Invitae Variant Classification Sherloc (09022015). Collection method: clinical testing. Allele origin: germline.
Comment: This sequence change replaces phenylalanine, which is neutral and non-polar, with serine, which is neutral and polar, at codon 944 of the SKIV2L protein (p.Phe944Ser). This variant is present in population databases (rs151323787, gnomAD 0.06%). This variant has not been reported in the literature in individuals affected with SKIV2L-related conditions. ClinVar contains an entry for this variant (Variation ID: 1038842). Algorithms developed to predict the effect of missense changes on protein structure and function are either unavailable or do not agree on the potential impact of this missense change (SIFT: "Deleterious"; PolyPhen-2: "Benign"; Align-GVGD: "Class C0"). In summary, the available evidence is currently insufficient to determine the role of this variant in disease. Therefore, it has been classified as a Variant of Uncertain Significance.

NM_006929.5(SKIC2):c.2831T>C (p.Phe944Ser)

Gene: SKIC2 (SKI2 subunit of superkiller complex; plus strand). Cytogenetic location: 6p21.33.
Variant type: single nucleotide variant.
Coding change: c.2831T>C on transcript NM_006929.5 (MANE Select); coding-DNA position 2831, T replaced by C.
Protein change: p.Phe944Ser; replaces phenylalanine 944 with serine.
Molecular consequence: missense variant.
Genome position (GRCh38, 1-based): chr6:31,968,055, T>C. VCF-style: chr6-31968055-T-C. GRCh37 (hg19) VCF-style: chr6-31935832-T-C.
Other names: c.2831T>C (NM_006929.4); short protein forms F944S.
Identifiers: ClinVar variation 1038842 (VCV001038842.5), dbSNP rs151323787, ClinGen allele CA3729880.